The following is an entry in ClinVar:

ClinVar aggregate classification (germline): Uncertain significance. Review status: criteria provided, multiple submitters, no conflicts (2 of 4 stars). 2 submissions from 2 submitters: Uncertain significance (2). Last evaluated 2025-08-01.

Conditions:
Inborn genetic diseases. Identifiers: MedGen C0950123, MeSH D030342.

Submissions (2):

Ambry Genetics
Classification: Uncertain significance for Inborn genetic diseases. Last evaluated: 2025-08-01. Review status: criteria provided, single submitter. Criteria: Ambry Variant Classification Scheme 2023. Collection method: clinical testing. Allele origin: germline.

Labcorp Genetics (formerly Invitae), Labcorp
Classification: Uncertain significance. Last evaluated: 2022-08-05. Review status: criteria provided, single submitter. Criteria: Invitae Variant Classification Sherloc (09022015). Collection method: clinical testing. Allele origin: germline.
Comment: This variant is not present in population databases (gnomAD no frequency). This variant has not been reported in the literature in individuals affected with ACAD9-related conditions. This sequence change replaces threonine, which is neutral and polar, with alanine, which is neutral and non-polar, at codon 24 of the ACAD9 protein (p.Thr24Ala). Advanced modeling of protein sequence and biophysical properties (such as structural, functional, and spatial information, amino acid conservation, physicochemical variation, residue mobility, and thermodynamic stability) performed at Invitae indicates that this missense variant is not expected to disrupt ACAD9 protein function. In summary, the available evidence is currently insufficient to determine the role of this variant in disease. Therefore, it has been classified as a Variant of Uncertain Significance.

NM_014049.5(ACAD9):c.70A>G (p.Thr24Ala)

Gene: ACAD9 (acyl-CoA dehydrogenase family member 9; plus strand). Cytogenetic location: 3q21.3.
Variant type: single nucleotide variant.
Coding change: c.70A>G on transcript NM_014049.5 (MANE Select); coding-DNA position 70, A replaced by G.
Protein change: p.Thr24Ala; replaces threonine 24 with alanine.
Molecular consequence: missense variant. On other transcripts: non-coding transcript variant (1).
Genome position (GRCh38, 1-based): chr3:128,879,761, A>G. VCF-style: chr3-128879761-A-G. GRCh37 (hg19) VCF-style: chr3-128598604-A-G.
Other names: c.-206A>G (NM_001410805.1); c.70A>G (NM_014049.4); short protein forms T24A.
Identifiers: ClinVar variation 1896362 (VCV001896362.5), dbSNP rs1303369813, ClinGen allele CA354429609.